The following is an entry in ClinVar:

ClinVar aggregate classification (germline): Pathogenic (1 of 4 stars; one submission).

Conditions:
Familial cancer of breast. Also called: hereditary breast carcinoma; Hereditary breast cancer; BREAST CANCER, FAMILIAL. Identifiers: Orphanet 227535, MedGen C0346153, MONDO:0016419, OMIM 114480. Disease mechanism: loss of function.

Submission:

Labcorp Genetics (formerly Invitae), Labcorp
Classification: Pathogenic for Familial cancer of breast. Last evaluated: 2023-07-18. Review status: criteria provided, single submitter. Criteria: Invitae Variant Classification Sherloc (09022015). Collection method: clinical testing. Allele origin: germline.
Comment: For these reasons, this variant has been classified as Pathogenic. This variant has not been reported in the literature in individuals affected with PALB2-related conditions. This variant is not present in population databases (gnomAD no frequency). This sequence change creates a premature translational stop signal (p.Pro405Leufs*19) in the PALB2 gene. It is expected to result in an absent or disrupted protein product. Loss-of-function variants in PALB2 are known to be pathogenic (PMID: 17200668, 17200671, 17200672, 24136930, 25099575).

Literature cited by the submitters: PubMed 17200668; PubMed 17200671; PubMed 17200672; PubMed 24136930; PubMed 25099575.

NM_024675.4(PALB2):c.1212del (p.Pro405fs)

Gene: PALB2 (partner and localizer of BRCA2; minus strand). Cytogenetic location: 16p12.2.
Variant type: Deletion.
Coding change: c.1212del on transcript NM_024675.4 (MANE Select); coding-DNA position 1212, one base deleted (T; older notation c.1212delT).
Protein change: p.Pro405fs; shifts the reading frame from proline 405.
Molecular consequence: frameshift variant. On other transcripts: intron variant (3).
Genome position (GRCh38, 1-based): chr16:23,635,334, A deleted on the plus strand (T on the coding strand, the reverse complement: PALB2 is on the minus strand); the first of 3 consecutive A bases (chr16:23,635,334-23,635,336); deleting any one gives the same sequence. VCF-style (leftmost placement, unchanged base first): chr16-23635333-GA-G. GRCh37 (hg19) VCF-style: chr16-23646654-GA-G.
Other names: c.1152del, p.Pro385fs (NM_001407296.1); c.1212del, p.Pro405fs (NM_001407297.1, NM_001407298.1, NM_001407299.1 and 3 more transcripts); c.327del, p.Pro110fs (NM_001407304.1, NM_001407305.1, NM_001407306.1 and 5 more transcripts); c.48+5776del (NM_001407314.1); c.-104-4865del (NM_001407313.1, NM_001407312.1); short protein forms P405fs, P110fs, P385fs.
Identifiers: ClinVar variation 2699563 (VCV002699563.3), dbSNP rs1567221328, ClinGen allele CA2697555747.